The following is an entry in ClinVar:

ClinVar aggregate classification (germline): Conflicting classifications of pathogenicity. Review status: criteria provided, conflicting classifications (1 of 4 stars). 3 submissions from 3 submitters: Uncertain significance (2); Likely benign (1). Last evaluated 2025-07-09.

Conditions:
Inborn genetic diseases. Identifiers: MedGen C0950123, MeSH D030342.
Acute myeloid leukemia (AML). Also called: Acute myeloid leukemia, adult; AML adult; Acute non-lymphocytic leukemia; Acute granulocytic leukemia; Leukemia, acute myeloid, somatic; Leukemia, acute myelogenous, somatic. Identifiers: Orphanet 519, MedGen C0023467, MeSH D015470, MONDO:0018874, OMIM 601626, HP:0004808. Disease mechanism: Constitutively activated FLT3.

gnomAD v4.1: 7 of 1,462,136 alleles (0.00048%); highest among the groups gnomAD compares: Non-Finnish European, 0.00063%; no homozygotes.

Submissions (3):

Ambry Genetics
Classification: Likely benign for Inborn genetic diseases. Last evaluated: 2025-07-09. Review status: criteria provided, single submitter. Criteria: Ambry Variant Classification Scheme 2023. Collection method: clinical testing. Allele origin: germline.

Labcorp Genetics (formerly Invitae), Labcorp
Classification: Uncertain significance for Acute myeloid leukemia. Last evaluated: 2024-10-30. Review status: criteria provided, single submitter. Criteria: Invitae Variant Classification Sherloc (09022015). Collection method: clinical testing. Allele origin: germline.
Comment: This sequence change replaces proline, which is neutral and non-polar, with alanine, which is neutral and non-polar, at codon 39 of the CEBPA protein (p.Pro39Ala). This variant is not present in population databases (gnomAD no frequency). This variant has not been reported in the literature in individuals affected with CEBPA-related conditions. ClinVar contains an entry for this variant (Variation ID: 837348). An algorithm developed to predict the effect of missense changes on protein structure and function (PolyPhen-2) suggests that this variant is likely to be disruptive. In summary, the available evidence is currently insufficient to determine the role of this variant in disease. Therefore, it has been classified as a Variant of Uncertain Significance.

ARUP Laboratories, Molecular Genetics and Genomics, ARUP Laboratories
Classification: Uncertain significance. Last evaluated: 2023-12-13. Review status: criteria provided, single submitter. Criteria: ARUP Molecular Germline Variant Investigation Process 2024. Collection method: clinical testing. Allele origin: germline.

NM_004364.5(CEBPA):c.115C>G (p.Pro39Ala)

Gene: CEBPA (CCAAT enhancer binding protein alpha; minus strand). Cytogenetic location: 19q13.11.
Variant type: single nucleotide variant.
Coding change: c.115C>G on transcript NM_004364.5 (MANE Select); coding-DNA position 115, C replaced by G.
Protein change: p.Pro39Ala; replaces proline 39 with alanine.
Molecular consequence: missense variant. On other transcripts: 5 prime UTR variant (1).
Genome position (GRCh38, 1-based): chr19:33,302,300, G>C on the plus strand (C>G on the coding strand, the complement: CEBPA is on the minus strand). VCF-style: chr19-33302300-G-C. GRCh37 (hg19) VCF-style: chr19-33793206-G-C.
Other names: c.-243C>G (NM_001285829.2); c.220C>G, p.Pro74Ala (NM_001287424.2); c.73C>G, p.Pro25Ala (NM_001287435.2); c.115C>G (NM_004364.3); short protein forms P39A, P25A, P74A.
Identifiers: ClinVar variation 837348 (VCV000837348.12), dbSNP rs1967199149, ClinGen allele CA405275645.